The following is an entry in ClinVar:

ClinVar aggregate classification (germline): Uncertain significance (1 of 4 stars; one submission).

Conditions:
Neurodevelopmental disorder with hypotonia, stereotypic hand movements, and impaired language. Also called: Intellectual disability, autosomal dominant 20. Identifiers: Orphanet 228384, Orphanet 664410, MedGen C3150700, MONDO:0013266, OMIM 613443.

Submission:

Labcorp Genetics (formerly Invitae), Labcorp
Classification: Uncertain significance for Neurodevelopmental disorder with hypotonia, stereotypic hand movements, and impaired language. Last evaluated: 2022-09-04. Review status: criteria provided, single submitter. Criteria: Invitae Variant Classification Sherloc (09022015). Collection method: clinical testing. Allele origin: germline.
Comment: In summary, the available evidence is currently insufficient to determine the role of this variant in disease. Therefore, it has been classified as a Variant of Uncertain Significance. Algorithms developed to predict the effect of missense changes on protein structure and function are either unavailable or do not agree on the potential impact of this missense change (SIFT: "Tolerated"; PolyPhen-2: "Possibly Damaging"; Align-GVGD: "Class C0"). This variant has not been reported in the literature in individuals affected with MEF2C-related conditions. This variant is not present in population databases (gnomAD no frequency). This sequence change replaces glutamine, which is neutral and polar, with arginine, which is basic and polar, at codon 18 of the MEF2C protein (p.Gln18Arg).

NM_002397.5(MEF2C):c.53A>G (p.Gln18Arg)

Gene: MEF2C (myocyte enhancer factor 2C; minus strand). Cytogenetic location: 5q14.3.
Variant type: single nucleotide variant.
Coding change: c.53A>G on transcript NM_002397.5 (MANE Select); coding-DNA position 53, A replaced by G.
Protein change: p.Gln18Arg; replaces glutamine 18 with arginine.
Molecular consequence: missense variant.
Genome position (GRCh38, 1-based): chr5:88,823,736, T>C on the plus strand (A>G on the coding strand, the complement: MEF2C is on the minus strand). VCF-style: chr5-88823736-T-C. GRCh37 (hg19) VCF-style: chr5-88119553-T-C.
Other names: c.53A>G, p.Gln18Arg (NM_001131005.2, NM_001193347.1, NM_001193348.1 and 29 more transcripts); short protein forms Q18R.
Identifiers: ClinVar variation 1718824 (VCV001718824.6), dbSNP rs2532809203, ClinGen allele CA360425249.